The following is an entry in ClinVar:

NM_014444.5(TUBGCP4):c.487G>C (p.Gly163Arg)

Gene: TUBGCP4 (tubulin gamma complex component 4; plus strand). Cytogenetic location: 15q15.3.
Variant type: single nucleotide variant.
Coding change: c.487G>C on transcript NM_014444.5 (MANE Select); coding-DNA position 487, G replaced by C.
Protein change: p.Gly163Arg; replaces glycine 163 with arginine.
Molecular consequence: missense variant.
Genome position (GRCh38, 1-based): chr15:43,380,129, G>C. VCF-style: chr15-43380129-G-C. GRCh37 (hg19) VCF-style: chr15-43672327-G-C.
Other names: c.487G>C, p.Gly163Arg (NM_001286414.3); short protein forms G163R.
Identifiers: ClinVar variation 1939613 (VCV001939613.5), dbSNP rs771153821, ClinGen allele CA7523795.

ClinVar aggregate classification (germline): Uncertain significance (1 of 4 stars; one submission).

gnomAD v4.1: 4 of 1,614,092 alleles (0.00025%); highest among the groups gnomAD compares: Admixed American, 0.0017%; no homozygotes.

Submission:

Labcorp Genetics (formerly Invitae), Labcorp
Classification: Uncertain significance. Last evaluated: 2022-11-08. Review status: criteria provided, single submitter. Criteria: Invitae Variant Classification Sherloc (09022015). Collection method: clinical testing. Allele origin: germline.
Comment: In summary, the available evidence is currently insufficient to determine the role of this variant in disease. Therefore, it has been classified as a Variant of Uncertain Significance. Advanced modeling of protein sequence and biophysical properties (such as structural, functional, and spatial information, amino acid conservation, physicochemical variation, residue mobility, and thermodynamic stability) performed at Invitae indicates that this missense variant is not expected to disrupt TUBGCP4 protein function. This variant has not been reported in the literature in individuals affected with TUBGCP4-related conditions. This variant is present in population databases (rs771153821, gnomAD 0.006%). This sequence change replaces glycine, which is neutral and non-polar, with arginine, which is basic and polar, at codon 163 of the TUBGCP4 protein (p.Gly163Arg).